The following is an entry in ClinVar:

NM_007294.4(BRCA1):c.881A>G (p.Lys294Arg)

Gene: BRCA1 (BRCA1 DNA repair associated; minus strand). Cytogenetic location: 17q21.31.
Variant type: single nucleotide variant.
Coding change: c.881A>G on transcript NM_007294.4 (MANE Select); coding-DNA position 881, A replaced by G.
Protein change: p.Lys294Arg; replaces lysine 294 with arginine.
Molecular consequence: missense variant. On other transcripts: 5 prime UTR variant (2), intron variant (137).
Genome position (GRCh38, 1-based): chr17:43,094,650, T>C on the plus strand (A>G on the coding strand, the complement: BRCA1 is on the minus strand). VCF-style: chr17-43094650-T-C. GRCh37 (hg19) VCF-style: chr17-41246667-T-C.
Other names: c.881A>G, p.Lys294Arg (NM_001407581.1, NM_001407582.1, NM_001407583.1 and 30 more transcripts); c.737A>G, p.Lys246Arg (NM_001407745.1, NM_001407746.1, NM_001407747.1 and 20 more transcripts); c.878A>G, p.Lys293Arg (NM_001407637.1, NM_001407638.1, NM_001407587.1 and 22 more transcripts); c.803A>G, p.Lys268Arg (NM_001407655.1, NM_001407656.1, NM_001407657.1 and 4 more transcripts); c.740A>G, p.Lys247Arg (NM_001407850.1, NM_001407851.1, NM_001407852.1 and 29 more transcripts); c.800A>G, p.Lys267Arg (NM_001407659.1, NM_001407660.1, NM_001407661.1 and 1 more transcripts); c.677A>G, p.Lys226Arg (NM_001407875.1, NM_001407874.1); c.671A>G, p.Lys224Arg (NM_001407879.1, NM_001407881.1, NM_001407882.1 and 13 more transcripts); and 40 more; short protein forms K294R, K247R, K126R, K167R, K183R, K246R, K268R, K293R.
Identifiers: ClinVar variation 531293 (VCV000531293.13), dbSNP rs1555592934, ClinGen allele CA10600314.

ClinVar aggregate classification (germline): Conflicting classifications of pathogenicity. Review status: criteria provided, conflicting classifications (1 of 4 stars). 3 submissions from 3 submitters: Uncertain significance (2); Likely benign (1). Last evaluated 2026-07-15.

Conditions:
Hereditary cancer-predisposing syndrome. Also called: Hereditary Cancer Syndrome; Tumor predisposition; Hereditary neoplastic syndrome; Neoplastic Syndromes, Hereditary. Identifiers: Orphanet 140162, MedGen C0027672, MeSH D009386, MONDO:0015356.
Hereditary breast ovarian cancer syndrome. Also called: Hereditary breast and/or ovarian cancer syndrome; Breast and ovarian cancer; BRCA1- and BRCA2-Associated Hereditary Breast and Ovarian Cancer; Hereditary breast and ovarian cancer syndrome (HBOC); Hereditary breast and ovarian cancer syndrome; Hereditary breast and ovarian cancer. Identifiers: Orphanet 145, MedGen C0677776, MeSH D061325, MONDO:0003582. Disease mechanism: loss of function.

Allele frequency attached by ClinVar (database versions not stated): gnomAD exomes below 0.00001.
gnomAD v4.1: 1 of 1,614,178 alleles (0.000062%); highest among the groups gnomAD compares: East Asian, 0.0022%; no homozygotes.

Submissions (3):

Ambry Genetics
Classification: Uncertain significance for Hereditary cancer-predisposing syndrome. Last evaluated: 2026-07-15. Review status: criteria provided, single submitter. Criteria: Ambry Variant Classification Scheme 2023. Collection method: clinical testing. Allele origin: germline.
Comment: The p.K294R variant (also known as c.881A>G), located in coding exon 9 of the BRCA1 gene, results from an A to G substitution at nucleotide position 881. The lysine at codon 294 is replaced by arginine, an amino acid with highly similar properties. This amino acid position is not well conserved in available vertebrate species. In addition, this alteration is predicted to be deleterious by in silico analysis. Based on the available evidence, the clinical significance of this variant remains unclear.

University of Washington Department of Laboratory Medicine, University of Washington
Classification: Likely benign for Hereditary cancer-predisposing syndrome. Last evaluated: 2023-03-23. Review status: criteria provided, single submitter. Criteria: Dines et al. (Genet Med. 2020). Collection method: curation. Allele origin: germline.
Comment: Missense variant in a coldspot region where missense variants are very unlikely to be pathogenic (PMID:31911673).

BRCA1 coldspot (exon 11 using historical exon numbering). Reclassification based on statistical prior probability

Labcorp Genetics (formerly Invitae), Labcorp
Classification: Uncertain significance for Hereditary breast ovarian cancer syndrome. Last evaluated: 2017-10-27. Review status: criteria provided, single submitter. Criteria: Invitae Variant Classification Sherloc (09022015). Collection method: clinical testing. Allele origin: germline.
Comment: In summary, the available evidence is currently insufficient to determine the role of this variant in disease. Therefore, it has been classified as a Variant of Uncertain Significance. Algorithms developed to predict the effect of sequence changes on RNA splicing suggest that this variant may create or strengthen a splice site, but this prediction has not been confirmed by published transcriptional studies. Algorithms developed to predict the effect of missense changes on protein structure and function (SIFT, PolyPhen-2, Align-GVGD) all suggest that this variant is likely to be tolerated, but these predictions have not been confirmed by published functional studies and their clinical significance is uncertain. This variant has not been reported in the literature in individuals with BRCA1-related disease. This variant is not present in population databases (ExAC no frequency). This sequence change replaces lysine with arginine at codon 294 of the BRCA1 protein (p.Lys294Arg). The lysine residue is weakly conserved and there is a small physicochemical difference between lysine and arginine.